The following is an entry in ClinVar:

NM_006231.4(POLE):c.5290G>A (p.Ala1764Thr)

Gene: POLE (DNA polymerase epsilon, catalytic subunit; minus strand). Cytogenetic location: 12q24.33.
Variant type: single nucleotide variant.
Coding change: c.5290G>A on transcript NM_006231.4 (MANE Select); coding-DNA position 5290, G replaced by A.
Protein change: p.Ala1764Thr; replaces alanine 1764 with threonine.
Molecular consequence: missense variant.
Genome position (GRCh38, 1-based): chr12:132,641,735, C>T on the plus strand (G>A on the coding strand, the complement: POLE is on the minus strand). VCF-style: chr12-132641735-C-T. GRCh37 (hg19) VCF-style: chr12-133218321-C-T.
Other names: short protein forms A1764T.
Identifiers: ClinVar variation 650643 (VCV000650643.12), dbSNP rs1315730296, ClinGen allele CA387376126.

ClinVar aggregate classification (germline): Uncertain significance. Review status: criteria provided, multiple submitters, no conflicts (2 of 4 stars). 2 submissions from 2 submitters: Uncertain significance (2). Last evaluated 2025-01-27.

Conditions:
Hereditary cancer-predisposing syndrome. Also called: Neoplastic Syndromes, Hereditary; Tumor predisposition; Hereditary Cancer Syndrome; Hereditary neoplastic syndrome. Identifiers: Orphanet 140162, MedGen C0027672, MeSH D009386, MONDO:0015356.

Submissions (2):

Ambry Genetics
Classification: Uncertain significance for Hereditary cancer-predisposing syndrome. Last evaluated: 2025-01-27. Review status: criteria provided, single submitter. Criteria: Ambry Variant Classification Scheme 2023. Collection method: clinical testing. Allele origin: germline.
Comment: The p.A1764T variant (also known as c.5290G>A), located in coding exon 39 of the POLE gene, results from a G to A substitution at nucleotide position 5290. The alanine at codon 1764 is replaced by threonine, an amino acid with similar properties. This amino acid position is conserved. In addition, this alteration is predicted to be tolerated by in silico analysis. Based on the available evidence, the clinical significance of this variant remains unclear.

Labcorp Genetics (formerly Invitae), Labcorp
Classification: Uncertain significance. Last evaluated: 2022-07-06. Review status: criteria provided, single submitter. Criteria: Invitae Variant Classification Sherloc (09022015). Collection method: clinical testing. Allele origin: germline.
Comment: In summary, the available evidence is currently insufficient to determine the role of this variant in disease. Therefore, it has been classified as a Variant of Uncertain Significance. Algorithms developed to predict the effect of missense changes on protein structure and function (SIFT, PolyPhen-2, Align-GVGD) all suggest that this variant is likely to be tolerated. ClinVar contains an entry for this variant (Variation ID: 650643). This variant has not been reported in the literature in individuals affected with POLE-related conditions. This variant is not present in population databases (gnomAD no frequency). This sequence change replaces alanine, which is neutral and non-polar, with threonine, which is neutral and polar, at codon 1764 of the POLE protein (p.Ala1764Thr).